The following is an entry in ClinVar:

ClinVar aggregate classification (germline): Uncertain significance (1 of 4 stars; one submission).

Submission:

GeneDx
Classification: Uncertain significance. Last evaluated: 2019-12-05. Review status: criteria provided, single submitter. Criteria: GeneDx Variant Classification Process June 2021. Collection method: clinical testing. Allele origin: germline. Affected: yes.
Comment: Not observed in large population cohorts (Lek et al., 2016); In silico analysis, which includes protein predictors and evolutionary conservation, supports that this variant does not alter protein structure/function; Has not been previously published as pathogenic or benign to our knowledge

NM_007199.3(IRAK3):c.94C>A (p.Leu32Met)

Genes: IRAK3 (interleukin 1 receptor associated kinase 3; plus strand), LOC130008235 (ATAC-STARR-seq lymphoblastoid silent region 4636; plus strand). Cytogenetic location: 12q14.3.
Variant type: single nucleotide variant.
Coding change: c.94C>A on transcript NM_007199.3 (MANE Select); coding-DNA position 94, C replaced by A.
Protein change: p.Leu32Met; replaces leucine 32 with methionine.
Molecular consequence: missense variant.
Genome position (GRCh38, 1-based): chr12:66,189,393, C>A. VCF-style: chr12-66189393-C-A. GRCh37 (hg19) VCF-style: chr12-66583173-C-A.
Other names: c.94C>A, p.Leu32Met (NM_001142523.2); short protein forms L32M.
Identifiers: ClinVar variation 451697 (VCV000451697.3), dbSNP rs1555201779, ClinGen allele CA385617492.